The following is an entry in ClinVar:

ClinVar aggregate classification (germline): Uncertain significance (1 of 4 stars; one submission).

Submission:

Laboratory for Molecular Medicine, Mass General Brigham Personalized Medicine
Classification: Uncertain significance. Last evaluated: 2012-08-10. Review status: criteria provided, single submitter. Criteria: LMM Criteria. Collection method: clinical testing. Allele origin: germline. Observed: 1 variant allele.
Comment: Variant classified as Uncertain Significance - Favor Benign. The 511-12_511-11de lCT variant in SOS1 has not reported in the literature nor previously identified by our laboratory. This variant is located in the 3' splice region. Computation al tools do not suggest an impact to splicing. However, this information is not predictive enough to rule out pathogenicity. In summary, although these data sup port that the 511-12_511-11delCT SOS1 variant may be benign, additional studies are needed to fully assess its clinical significance.

NM_005633.4(SOS1):c.511-12_511-11del

Gene: SOS1 (SOS Ras/Rac guanine nucleotide exchange factor 1; minus strand). Cytogenetic location: 2p22.1.
Variant type: Microsatellite.
Coding change: c.511-12_511-11del on transcript NM_005633.4 (MANE Select); 12 bases into the intron before coding-DNA position 511 through 11 bases into the intron before coding-DNA position 511, 2 bases deleted (CT; older notation c.511-12_511-11delCT).
Molecular consequence: intron variant.
Genome position (GRCh38, 1-based): chr2:39,054,834-39,054,835, AG deleted on the plus strand (CT on the coding strand, the reverse complement: SOS1 is on the minus strand); deleting any 2 consecutive bases within chr2:39,054,834-39,054,838 gives the same sequence; the c. name uses the placement nearest the transcript's 3' end. VCF-style (leftmost placement, unchanged base first): chr2-39054833-CAG-C. GRCh37 (hg19) VCF-style: chr2-39281974-CAG-C.
Other names: c.490-12_490-11del (NM_001382394.1); c.511-12_511-11del (NM_001382395.1); c.511-12_511-11delCT (NM_005633.3).
Identifiers: ClinVar variation 45372 (VCV000045372.5), dbSNP rs397517173, ClinGen allele CA136164.